The following is an entry in ClinVar:

ClinVar aggregate classification (germline): Uncertain significance. Review status: criteria provided, single submitter (1 of 4 stars). 2 submissions from 2 submitters: Uncertain significance (1). 1 of the submissions does not count toward it. Last evaluated 2025-10-13.

Conditions:
PAX4-related disorder. Also called: PAX4-related condition.

Allele frequency attached by ClinVar (database versions not stated): TOPMed below 0.00001.

Submissions (2):

PreventionGenetics, part of Exact Sciences
Classification: Uncertain significance for PAX4-related condition. Last evaluated: 2025-10-13. Review status: criteria provided, single submitter. Criteria: ACMG Guidelines, 2015. Collection method: clinical testing. Allele origin: germline.
Comment: The PAX4 c.91C>G variant is predicted to result in the amino acid substitution p.Arg31Gly. This variant is reported in 0.0026% of alleles in individuals of European (Non-Finnish) descent in gnomAD. Different substitutions affecting the same amino acid (referred to as p.Arg39Leu and p.Arg39Leu using NM_001366110) have been reported in individuals with MODY (Chapla et al. 2015. PubMed ID: 25041077; Ming-Qiang. 2019. PubMed ID: 31216263). At this time, the clinical significance of this variant is uncertain due to the absence of conclusive functional and genetic evidence.

Genetic Services Laboratory, University of Chicago
Classification: Uncertain significance. Last evaluated: 2022-11-12. Review status: no assertion criteria provided. Collection method: clinical testing. Allele origin: germline. Affected: no. Not counted in ClinVar's aggregate classification.
Comment: DNA sequence analysis of the PAX4 gene demonstrated a sequence change, c.115C>G, in exon 2 that results in an amino acid change, p.Arg39Gly. This sequence change does not appear to have been previously described in individuals with PAX4-related disorders. This sequence change has been described in the gnomAD database in 3 individual which corresponds to a population frequency of 0.001% (dbSNP rs778666797). The p.Arg39Gly change affects a highly conserved amino acid residue located in a domain of the PAX4 protein that is not known to be functional. The p.Arg39Gly substitution appears to be deleterious using several in-silico pathogenicity prediction tools (SIFT, Align GVGD, REVEL). Due to insufficient evidences and the lack of functional studies, the clinical significance of the p.Arg39Gly change remains unknown at this time.

NM_001366110.1(PAX4):c.115C>G (p.Arg39Gly)

Gene: PAX4 (paired box 4; minus strand). Cytogenetic location: 7q32.1.
Variant type: single nucleotide variant.
Coding change: c.115C>G on transcript NM_001366110.1 (MANE Select); coding-DNA position 115, C replaced by G.
Protein change: p.Arg39Gly; replaces arginine 39 with glycine.
Molecular consequence: missense variant.
Genome position (GRCh38, 1-based): chr7:127,615,430, G>C on the plus strand (C>G on the coding strand, the complement: PAX4 is on the minus strand). VCF-style: chr7-127615430-G-C. GRCh37 (hg19) VCF-style: chr7-127255484-G-C.
Other names: NM_006193.2:c.91C>G; c.115C>G, p.Arg39Gly (NM_001366111.1); short protein forms R39G.
Identifiers: ClinVar variation 2443200 (VCV002443200.4), dbSNP rs778666797, ClinGen allele CA166114573.